The following is an entry in ClinVar:

ClinVar aggregate classification (germline): Uncertain significance (1 of 4 stars; one submission).

Submission:

Labcorp Genetics (formerly Invitae), Labcorp
Classification: Uncertain significance. Last evaluated: 2023-12-02. Review status: criteria provided, single submitter. Criteria: Invitae Variant Classification Sherloc (09022015). Collection method: clinical testing. Allele origin: germline.
Comment: This sequence change creates a premature translational stop signal (p.Gly2886Valfs*13) in the DCHS1 gene. While this is not anticipated to result in nonsense mediated decay, it is expected to disrupt the last 413 amino acid(s) of the DCHS1 protein. This variant is not present in population databases (gnomAD no frequency). This variant has not been reported in the literature in individuals affected with DCHS1-related conditions. Experimental studies and prediction algorithms are not available or were not evaluated, and the functional significance of this variant is currently unknown. In summary, the available evidence is currently insufficient to determine the role of this variant in disease. Therefore, it has been classified as a Variant of Uncertain Significance.

NM_003737.4(DCHS1):c.8657del (p.Gly2886fs)

Gene: DCHS1 (dachsous cadherin-related 1; minus strand). Cytogenetic location: 11p15.4.
Variant type: Deletion.
Coding change: c.8657del on transcript NM_003737.4 (MANE Select); coding-DNA position 8657, one base deleted (G; older notation c.8657delG).
Protein change: p.Gly2886fs; shifts the reading frame from glycine 2886.
Molecular consequence: frameshift variant.
Genome position (GRCh38, 1-based): chr11:6,623,019, C deleted on the plus strand (G on the coding strand, the reverse complement: DCHS1 is on the minus strand); the first of 5 consecutive C bases (chr11:6,623,019-6,623,023); deleting any one gives the same sequence. VCF-style (leftmost placement, unchanged base first): chr11-6623018-AC-A. GRCh37 (hg19) VCF-style: chr11-6644249-AC-A.
Other names: short protein forms G2886fs.
Identifiers: ClinVar variation 2700563 (VCV002700563.3), dbSNP rs2493810435, ClinGen allele CA2612258573.